The following is an entry in ClinVar:

NM_006922.4(SCN3A):c.1577C>T (p.Ser526Phe)

Gene: SCN3A (sodium voltage-gated channel alpha subunit 3; minus strand). Cytogenetic location: 2q24.3.
Variant type: single nucleotide variant.
Coding change: c.1577C>T on transcript NM_006922.4 (MANE Select); coding-DNA position 1577, C replaced by T.
Protein change: p.Ser526Phe; replaces serine 526 with phenylalanine.
Molecular consequence: missense variant.
Genome position (GRCh38, 1-based): chr2:165,146,833, G>A on the plus strand (C>T on the coding strand, the complement: SCN3A is on the minus strand). VCF-style: chr2-165146833-G-A. GRCh37 (hg19) VCF-style: chr2-166003343-G-A.
Other names: c.1577C>T, p.Ser526Phe (NM_001081676.2, NM_001081677.2); short protein forms S526F.
Identifiers: ClinVar variation 2918331 (VCV002918331.3), dbSNP rs1403176076, ClinGen allele CA349236447.

ClinVar aggregate classification (germline): Uncertain significance (1 of 4 stars; one submission).

Allele frequency attached by ClinVar (database versions not stated): gnomAD 0.00002; TOPMed 0.00002; gnomAD exomes 0.00003.

Submission:

Labcorp Genetics (formerly Invitae), Labcorp
Classification: Uncertain significance. Last evaluated: 2023-04-12. Review status: criteria provided, single submitter. Criteria: Invitae Variant Classification Sherloc (09022015). Collection method: clinical testing. Allele origin: germline.
Comment: In summary, the available evidence is currently insufficient to determine the role of this variant in disease. Therefore, it has been classified as a Variant of Uncertain Significance. Advanced modeling of protein sequence and biophysical properties (such as structural, functional, and spatial information, amino acid conservation, physicochemical variation, residue mobility, and thermodynamic stability) performed at Invitae indicates that this missense variant is not expected to disrupt SCN3A protein function. This variant has not been reported in the literature in individuals affected with SCN3A-related conditions. This variant is present in population databases (no rsID available, gnomAD 0.004%). This sequence change replaces serine, which is neutral and polar, with phenylalanine, which is neutral and non-polar, at codon 526 of the SCN3A protein (p.Ser526Phe).